The following is an entry in ClinVar:

ClinVar aggregate classification (germline): Benign/Likely benign. Review status: criteria provided, multiple submitters, no conflicts (2 of 4 stars). 2 submissions from 2 submitters: Benign (1); Likely benign (1). Last evaluated 2026-02-03.

Conditions:
RHOBTB2-related disorder. Also called: RHOBTB2-related condition.

Allele frequency attached by ClinVar (database versions not stated): gnomAD 0.00003 and 0.00004; TOPMed 0.00006; ExAC 0.00016.
gnomAD v4.1: 68 of 1,608,726 alleles (0.0042%); highest among the groups gnomAD compares: Admixed American, 0.099%; no homozygotes.

Submissions (2):

Labcorp Genetics (formerly Invitae), Labcorp
Classification: Benign. Last evaluated: 2026-02-03. Review status: criteria provided, single submitter. Criteria: Invitae Variant Classification Sherloc (09022015). Collection method: clinical testing. Allele origin: germline.

PreventionGenetics, part of Exact Sciences
Classification: Likely benign for RHOBTB2-related condition. Last evaluated: 2025-02-04. Review status: criteria provided, single submitter. Criteria: ACMG Guidelines, 2015. Collection method: clinical testing. Allele origin: germline.
Comment: This variant is classified as likely benign based on ACMG/AMP sequence variant interpretation guidelines (Richards et al. 2015 PMID: 25741868, with internal and published modifications).

NM_015178.3(RHOBTB2):c.789G>A (p.Pro263=)

Gene: RHOBTB2 (Rho related BTB domain containing 2; plus strand). Cytogenetic location: 8p21.3.
Variant type: single nucleotide variant.
Coding change: c.789G>A on transcript NM_015178.3 (MANE Select); coding-DNA position 789, G replaced by A.
Protein change: p.Pro263=; no amino-acid change (proline 263 retained).
Molecular consequence: synonymous variant.
Genome position (GRCh38, 1-based): chr8:23,007,034, G>A. VCF-style: chr8-23007034-G-A. GRCh37 (hg19) VCF-style: chr8-22864547-G-A.
Other names: c.855G>A, p.Pro285= (NM_001160036.2); c.810G>A, p.Pro270= (NM_001160037.2); c.789G>A, p.Pro263= (NM_001374791.1); c.855G>A (NM_001160036.1).
Identifiers: ClinVar variation 1600335 (VCV001600335.9), dbSNP rs763201281, ClinGen allele CA4672539.
Genomic context (GRCh38, chr8:23,007,034, plus strand): 5'-CGTGGTGCCCGACCCTCCCTCCAGCAGCGAGGAGTGCCCCGCCCACCTCCTGGAGGACCC[G>A]CTCTGCGCGGACGTCATCCTGGTGCTGCAGGAGCGGGTGCGCATCTTTGCCCACAAGATC-3'
Protein context (NP_055993.2, residues 253-273): EECPAHLLED[Pro263=]LCADVILVLQ